The following is an entry in ClinVar:

ClinVar aggregate classification (germline): Likely pathogenic (1 of 4 stars; one submission).

Conditions:
Dyskeratosis congenita, autosomal dominant 1 (DKCA1). Also called: Dyskeratosis congenita Scoggins type. Identifiers: Orphanet 1775, MedGen C4551974, MONDO:0007485, OMIM 127550. Inheritance: Variable.

Submission:

Victorian Clinical Genetics Services, Murdoch Childrens Research Institute
Classification: Likely pathogenic for Dyskeratosis congenita, autosomal dominant 1. Last evaluated: 2025-09-23. Review status: criteria provided, single submitter. Criteria: ACMG Guidelines, 2015. Collection method: clinical testing. Allele origin: germline. Affected: yes.
Comment: This variant is classified as Likely pathogenic. Evidence in support of pathogenic classification: Variant is absent from gnomAD (v2, v3 and v4); This variant has moderate functional evidence supporting abnormal protein function. In vitro expression of this variant reduced telomerase catalytic activity to approximately 20% of wildtype levels. In addition, telomerase processivity was reduced to approximately 40% relative to wildtype (Children's Medical Research Institute, Westmead, NSW, Australia). Additional information: Non-coding variant without known or predicted effect; This variant is heterozygous; This gene is associated with autosomal dominant disease; This variant has no previous evidence of pathogenicity; Segregation evidence for this variant is inconclusive. However, there is insufficient evidence of co-segregation with disease and is therefore considered inconclusive; No comparable non-coding variants have previous evidence for pathogenicity; Variant is located in the annotated p2a.1 subdomain of the pseudoknot domain (PMID: 21844345). - Loss of function is a known mechanism of disease in this gene and is associated with dyskeratosis congenita, autosomal dominant 1 (MIM#127550) and pulmonary fibrosis and/or bone marrow failure syndrome, telomere-related, 2 (MIM#614743); The condition associated with this gene has incomplete penetrance (OMIM); Variants in this gene are known to have variable expressivity (OMIM).

Literature cited by the submitters: PubMed 21844345.

NR_001566.3(TERC):n.70G>A

Genes: TERC (telomerase RNA component; minus strand), LOC110806306 (telomerase RNA component (TERC) promoter; plus strand). Cytogenetic location: 3q26.2.
Variant type: single nucleotide variant.
Molecular consequence: non-coding transcript variant (on NR_001566.3).
Genome position: GRCh38 VCF-style: chr3-169764991-C-T. GRCh37 (hg19) VCF-style: chr3-169482779-C-T.
Identifiers: ClinVar variation 4531882 (VCV004531882.1).